The following is an entry in ClinVar:

NM_198407.2(GHSR):c.*796A>T

Gene: GHSR (growth hormone secretagogue receptor; minus strand). Cytogenetic location: 3q26.31.
Variant type: single nucleotide variant.
Coding change: c.*796A>T on transcript NM_198407.2 (MANE Select); 796 bases downstream of the stop codon, A replaced by T.
Molecular consequence: 3 prime UTR variant.
Genome position (GRCh38, 1-based): chr3:172,444,365, T>A on the plus strand (A>T on the coding strand, the complement: GHSR is on the minus strand). VCF-style: chr3-172444365-T-A. GRCh37 (hg19) VCF-style: chr3-172162155-T-A.
Identifiers: ClinVar variation 344189 (VCV000344189.5), dbSNP rs58550930, ClinGen allele CA10615313.

ClinVar aggregate classification (germline): Benign (1 of 4 stars; one submission).

Conditions:
Short stature due to growth hormone secretagogue receptor deficiency (GHDP). Also called: Short stature due to GHSR deficiency. Identifiers: Orphanet 314811, MedGen C5887324, MONDO:0014403, OMIM 615925.

Allele frequency attached by ClinVar (database versions not stated): 1000 Genomes Project 0.03474; 1000 Genomes Project 30x 0.03576; gnomAD 0.03921 and 0.03997; TOPMed 0.04144.
gnomAD v4.1: 5,941 of 152,316 alleles (3.9%); highest among the groups gnomAD compares: African/African-American, 7.8%; 193 homozygotes.

Submission:

Illumina Laboratory Services, Illumina
Classification: Benign for Short stature due to growth hormone secretagogue receptor deficiency. Last evaluated: 2018-01-13. Review status: criteria provided, single submitter. Criteria: ICSL Variant Classification Criteria 13 December 2019. Collection method: clinical testing. Allele origin: germline.
Comment: This variant was observed in the ICSL laboratory as part of a predisposition screen in an ostensibly healthy population. It had not been previously curated by ICSL or reported in the Human Gene Mutation Database (HGMD: prior to June 1st, 2018), and was therefore a candidate for classification through an automated scoring system. Utilizing variant allele frequency, disease prevalence and penetrance estimates, and inheritance mode, an automated score was calculated to assess if this variant is too frequent to cause the disease. Based on the score and internal cut-off values, a variant classified as benign is not then subjected to further curation. The score for this variant resulted in a classification of benign for this disease.